The following is an entry in ClinVar:

NC_000011.9:g.(?_95574771)_(95598850_?)dup

Gene: MTMR2 (myotubularin related protein 2; minus strand). Cytogenetic location: 11q21.
Variant type: Duplication.
Identifiers: ClinVar variation 1375886 (VCV001375886.5).

ClinVar aggregate classification (germline): Uncertain significance (1 of 4 stars; one submission).

Conditions:
Charcot-Marie-Tooth disease type 4. Also called: Charcot-Marie-Tooth disease, type IV; Charcot-Marie-Tooth, Type 4. Identifiers: Orphanet 64749, MedGen C4082197, MONDO:0018995.

Submission:

Labcorp Genetics (formerly Invitae), Labcorp
Classification: Uncertain significance for Charcot-Marie-Tooth disease type 4. Last evaluated: 2022-03-18. Review status: criteria provided, single submitter. Criteria: Invitae Variant Classification Sherloc (09022015). Collection method: clinical testing. Allele origin: germline.
Comment: In summary, the available evidence is currently insufficient to determine the role of this variant in disease. Therefore, it has been classified as a Variant of Uncertain Significance. This variant has not been reported in the literature in individuals affected with MTMR2-related conditions. This variant results in a copy number gain of the genomic region encompassing exon(s) 3-12 of the MTMR2 gene. While the exact position of this variant cannot be determined from the data, sub-genic copy number gains are generally in tandem (PMID: 25640679). This variant is predicted to be in-frame, and likely preserves the integrity of the reading frame.

Literature cited by the submitters: PubMed 25640679.